The following is an entry in ClinVar:

NM_000479.5(AMH):c.1054C>T (p.Pro352Ser)

Gene: AMH (anti-Mullerian hormone; plus strand). Cytogenetic location: 19p13.3.
Variant type: single nucleotide variant.
Coding change: c.1054C>T on transcript NM_000479.5 (MANE Select); coding-DNA position 1054, C replaced by T.
Protein change: p.Pro352Ser; replaces proline 352 with serine.
Molecular consequence: missense variant.
Genome position (GRCh38, 1-based): chr19:2,251,328, C>T. VCF-style: chr19-2251328-C-T. GRCh37 (hg19) VCF-style: chr19-2251327-C-T.
Other names: short protein forms P352S.
Identifiers: ClinVar variation 1303728 (VCV001303728.4), dbSNP rs764049634, ClinGen allele CA9063030.
Genomic context (GRCh38, chr19:2,251,328, plus strand): 5'-GACCCCGCGGCGCTGGAGCGCCTACTCGACGGCGAGGAGCCGCTGCTGCTGCTGCTGAGG[C>T]CCACTGCGGCCACCACCGGGGATCCTGCGCCCCTGCACGACCCCACGTCGGCGCCGTGGG-3'
Protein context (NP_000470.3, residues 342-362): GEEPLLLLLR[Pro352Ser]TAATTGDPAP

ClinVar aggregate classification (germline): Uncertain significance. Review status: criteria provided, multiple submitters, no conflicts (2 of 4 stars). 2 submissions from 2 submitters: Uncertain significance (2). Last evaluated 2022-07-05.

Allele frequency attached by ClinVar (database versions not stated): gnomAD exomes 0.00045 and 0.00093; 1000 Genomes Project 30x 0.00062; gnomAD 0.00068 and 0.00071; TOPMed 0.00071.
gnomAD v4.1: 1,356 of 1,496,856 alleles (0.091%); highest among the groups gnomAD compares: Non-Finnish European, 0.11%; 1 homozygote.

Submissions (2):

Labcorp Genetics (formerly Invitae), Labcorp
Classification: Uncertain significance. Last evaluated: 2022-07-05. Review status: criteria provided, single submitter. Criteria: Invitae Variant Classification Sherloc (09022015). Collection method: clinical testing. Allele origin: germline.
Comment: This sequence change replaces proline, which is neutral and non-polar, with serine, which is neutral and polar, at codon 352 of the AMH protein (p.Pro352Ser). This variant is present in population databases (rs764049634, gnomAD 0.1%), and has an allele count higher than expected for a pathogenic variant. This missense change has been observed in individual(s) with polycystic ovary syndrome (PMID: 28505284, 30786001). ClinVar contains an entry for this variant (Variation ID: 1303728). Algorithms developed to predict the effect of missense changes on protein structure and function are either unavailable or do not agree on the potential impact of this missense change (SIFT: "Not Available"; PolyPhen-2: "Probably Damaging"; Align-GVGD: "Not Available"). Experimental studies have shown that this missense change affects AMH function (PMID: 28505284, 30786001). In summary, the available evidence is currently insufficient to determine the role of this variant in disease. Therefore, it has been classified as a Variant of Uncertain Significance.

GeneDx
Classification: Uncertain significance. Last evaluated: 2020-04-16. Review status: criteria provided, single submitter. Criteria: GeneDx Variant Classification Process June 2021. Collection method: clinical testing. Allele origin: germline. Affected: yes.
Comment: In silico analysis supports that this missense variant does not alter protein structure/function; This variant is associated with the following publications: (PMID: 28505284, 30786001)

Literature cited by the submitters: PubMed 28505284 (cited by Labcorp Genetics (formerly Invitae), Labcorp); PubMed 30786001 (cited by Labcorp Genetics (formerly Invitae), Labcorp).